The following is an entry in ClinVar:

ClinVar aggregate classification (germline): Conflicting classifications of pathogenicity. Review status: criteria provided, conflicting classifications (1 of 4 stars). 19 submissions from 19 submitters: Uncertain significance (6); Benign (1); Likely benign (8). 4 of the submissions do not count toward it. Last evaluated 2026-02-03.

Conditions:
Hereditary cancer. Identifiers: MedGen C1333600.
BRCA2-related disorder. Also called: BRCA2-related condition; BRCA2-related disorders. Identifiers: MedGen CN239275.
Hereditary cancer-predisposing syndrome. Also called: Hereditary Cancer Syndrome; Neoplastic Syndromes, Hereditary; Hereditary neoplastic syndrome; Tumor predisposition. Identifiers: Orphanet 140162, MedGen C0027672, MeSH D009386, MONDO:0015356.
Hereditary breast ovarian cancer syndrome. Also called: Hereditary breast and ovarian cancer syndrome; Breast and ovarian cancer; BRCA1- and BRCA2-Associated Hereditary Breast and Ovarian Cancer; Hereditary breast and/or ovarian cancer syndrome; Hereditary breast and ovarian cancer; Hereditary breast and ovarian cancer syndrome (HBOC). Identifiers: Orphanet 145, MedGen C0677776, MeSH D061325, MONDO:0003582. Disease mechanism: loss of function.
Breast-ovarian cancer, familial, susceptibility to, 2 (BROVCA2). Also called: BRCA2 Hereditary Breast and Ovarian Cancer. Identifiers: Orphanet 145, MedGen C2675520, MONDO:0012933, OMIM 612555. Disease mechanism: loss of function.

Allele frequency attached by ClinVar (database versions not stated): gnomAD exomes 0.00002 and 0.00003; ExAC 0.00004; 1000 Genomes Project 30x 0.00016; gnomAD 0.00017 and 0.00019; TOPMed 0.00018; 1000 Genomes Project 0.00020.
gnomAD v4.1: 52 of 1,610,562 alleles (0.0032%); highest among the groups gnomAD compares: African/African-American, 0.057%; no homozygotes.

Submissions (19):

PreventionGenetics, part of Exact Sciences
Classification: Likely benign for BRCA2-related condition. Last evaluated: 2026-02-03. Review status: criteria provided, single submitter. Criteria: ACMG Guidelines, 2015. Collection method: clinical testing. Allele origin: germline.
Comment: This variant is classified as likely benign based on ACMG/AMP sequence variant interpretation guidelines (Richards et al. 2015 PMID: 25741868, with internal and published modifications).

Women's Health and Genetics/Laboratory Corporation of America, LabCorp
Classification: Uncertain significance. Last evaluated: 2026-01-30. Review status: criteria provided, single submitter. Criteria: LabCorp Variant Classification Summary - May 2015. Collection method: clinical testing. Allele origin: germline.
Comment: Variant summary: BRCA2 c.5612G>A (p.Ser1871Asn) results in a conservative amino acid change in the encoded protein sequence. Algorithms developed to predict the effect of missense changes on protein structure and function all suggest that this variant is likely to be tolerated. The variant allele was found at a frequency of 3.2e-05 in 247218 control chromosomes, predominantly at a frequency of 0.0005 within the African or African-American subpopulation in the gnomAD database. The available data on variant occurrences in the general population are insufficient to allow any conclusion about variant significance. c.5612G>A has been observed in individuals affected with breast and/or ovarian cancer (e.g. Edwards_2003, Lee_2008, El Saghir_2015, Dorling_2021, Guindalini_2022, de Oliveira_2024) as well as in healthy controls (FLOSSIES database, Dorling_2021). These reports do not provide unequivocal conclusions about association of the variant with Hereditary Breast And Ovarian Cancer Syndrome. A co-occurrence with a pathogenic variant has been observed (BRCA1 c.798_799delTT, p.Ser267LysfsX19; internal data), providing supporting evidence for a benign role. To our knowledge, no experimental evidence demonstrating an impact on protein function has been reported. The following publications have been ascertained in the context of this evaluation (PMID: 33471991, 12474142, 25777348, 35264596, 18284688, 38641594). ClinVar contains an entry for this variant (Variation ID: 51891). Based on the evidence outlined above, the variant was classified as uncertain significance.

Labcorp Genetics (formerly Invitae), Labcorp
Classification: Likely benign for Hereditary breast ovarian cancer syndrome. Last evaluated: 2026-01-26. Review status: criteria provided, single submitter. Criteria: Invitae Variant Classification Sherloc (09022015). Collection method: clinical testing. Allele origin: germline.

Dasa
Classification: Benign for Breast-ovarian cancer, familial, susceptibility to, 2. Last evaluated: 2025-12-29. Review status: criteria provided, single submitter. Criteria: DASA Assertion Criteria. Collection method: clinical testing. Allele origin: germline.
Comment: NM_000059.4(BRCA2):c.5612G>A (p.Ser1871Asn) is a missense variant that results in the substitution of serine with asparagine. Computational prediction algorithms are consistent with a benign effect. Therefore, based on the currently available evidence, this variant is classified as benign.

GeneDx
Classification: Uncertain significance. Last evaluated: 2025-03-10. Review status: criteria provided, single submitter. Criteria: GeneDx Variant Classification Process June 2021. Collection method: clinical testing. Allele origin: germline. Affected: yes.
Comment: Observed in individuals with breast, ovarian, or prostate cancer (PMID: 12474142, 18284688, 25777348, 36329109, 38641594); In silico analysis indicates that this missense variant does not alter protein structure/function; Also known as 5840G>A; This variant is associated with the following publications: (PMID: 12474142, 25777348, 18284688, 10923033, 29884841, 35264596, 31853058, 31911673, 32377563, 33471991, 36329109, 38641594)

Quest Diagnostics Nichols Institute San Juan Capistrano
Classification: Likely benign. Last evaluated: 2025-01-31. Review status: criteria provided, single submitter. Criteria: Quest Diagnostics criteria. Collection method: clinical testing. Allele origin: unknown.

Mendelics
Classification: Likely benign for Hereditary cancer. Last evaluated: 2024-01-23. Review status: criteria provided, single submitter. Criteria: ACMG Guidelines, 2015. Collection method: clinical testing. Allele origin: unknown.

University of Washington Department of Laboratory Medicine, University of Washington
Classification: Likely benign for Hereditary cancer-predisposing syndrome. Last evaluated: 2023-03-23. Review status: criteria provided, single submitter. Criteria: Dines et al. (Genet Med. 2020). Collection method: curation. Allele origin: germline.
Comment: Missense variant in a coldspot region where missense variants are very unlikely to be pathogenic (PMID:31911673).

BRCA2 exon 11 coldspot. Reclassification based on statistical prior probability.

Laboratorio de Genetica e Diagnostico Molecular, Hospital Israelita Albert Einstein
Classification: Uncertain significance for Breast-ovarian cancer, familial, susceptibility to, 2. Last evaluated: 2022-12-22. Review status: criteria provided, single submitter. Criteria: ACMG Guidelines, 2015. Collection method: clinical testing. Allele origin: germline. Affected: yes. Observed: 1 variant allele.
Comment: ACMG classification criteria: PM2 supporting, BP4 supporting

Blueprint Genetics
Classification: Likely benign. Last evaluated: 2022-09-15. Review status: criteria provided, single submitter. Criteria: ACMG Guidelines, 2015. Collection method: clinical testing. Allele origin: germline.

Genetics Program, Instituto Nacional de Cancer
Classification: Uncertain significance for Hereditary breast ovarian cancer syndrome. Last evaluated: 2021-11-01. Review status: criteria provided, single submitter. Criteria: ACMG Guidelines, 2015. Collection method: research. Allele origin: germline. Affected: yes.

Ambry Genetics
Classification: Likely benign for Hereditary cancer-predisposing syndrome. Last evaluated: 2019-12-23. Review status: criteria provided, single submitter. Criteria: Ambry Variant Classification Scheme 2023. Collection method: clinical testing. Allele origin: germline.

ARUP Laboratories, Molecular Genetics and Genomics, ARUP Laboratories
Classification: Uncertain significance. Last evaluated: 2017-06-27. Review status: criteria provided, single submitter. Criteria: ARUP Molecular Germline Variant Investigation Process. Collection method: clinical testing. Allele origin: germline.
Comment: The BRCA2 c.5612G>A; p.Ser1871Asn variant (rs80358782) has been reported in individuals with early-onset prostate cancer or breast cancer (Edwards 2003, El Saghir 2015, Lee 2008). This variant is reported multiple times in ClinVar as uncertain (Variation ID: 51891), and observed in general population databases with overall allele frequencies of 0.02 percent (1/5008 alleles, 1000 Genomes Project), and 0.006 percent (17/273156 alleles, Genome Aggregation Database). The serine at codon 1871 is weakly conserved, and computational algorithms (SIFT, PolyPhen2, MutationTaster, Prior Probabilities) predict this variant to be tolerated. However, due to the limited information regarding p.Ser1871Asn, its clinical significance in uncertain at this time. REFERENCES Link to ClinVar database for p.Ser1871Asn: Edwards SM et al. Two percent of men with early-onset prostate cancer harbor germline mutations in the BRCA2 gene. Am J Hum Genet. 2003 Jan;72(1):1-12. El Saghir NS et al. BRCA1 and BRCA2 mutations in ethnic Lebanese Arab women with high hereditary risk breast cancer. Oncologist. 2015 Apr;20(4):357-64. Lee E et al. Evaluation of unclassified variants in the breast cancer susceptibility genes BRCA1 and BRCA2 using five methods: results from a population-based study of young breast cancer patients. Breast Cancer Res. 2008;10(1):R19.

Color Diagnostics, LLC DBA Color Health
Classification: Likely benign for Hereditary cancer-predisposing syndrome. Last evaluated: 2016-01-06. Review status: criteria provided, single submitter. Criteria: ACMG Guidelines, 2015. Collection method: clinical testing. Allele origin: germline.

Eurofins Ntd Llc (ga)
Classification: Uncertain significance. Last evaluated: 2015-04-24. Review status: criteria provided, single submitter. Criteria: EGL Classification Definitions 2015. Collection method: clinical testing. Allele origin: germline. Observed: 1 variant allele, 1 heterozygote.

Genetic Services Laboratory, University of Chicago
Classification: Uncertain significance. Last evaluated: 2022-06-06. Review status: no assertion criteria provided. Collection method: clinical testing. Allele origin: germline. Affected: no. Not counted in ClinVar's aggregate classification.
Comment: DNA sequence analysis of the BRCA2 gene demonstrated a sequence change, c.5612G>A, in exon 11 that results in an amino acid change, p.Ser1871Asn. This sequence change has been described in the gnomAD database with a frequency of 0.069% in the African/African American subpopulation (dbSNP rs80358782). The p.Ser1871Asn change affects a poorly conserved amino acid residue located in a domain of the BRCA2 protein that is known to be functional. The p.Ser1871Asn substitution appears to be benign using several in-silico pathogenicity prediction tools (SIFT, PolyPhen2, Align GVGD, REVEL). This sequence change has been previously described in individuals with BRCA2-related cancers, as well as in individuals with no history of cancer (PMID: 12474142, 25777348, 18284688, 33471991, FLOSSIES database). Due to insufficient evidences and the lack of functional studies, the clinical significance of the p.Ser1871Asn change remains unknown at this time.

Counsyl
Classification: Uncertain significance for Breast-ovarian cancer, familial, susceptibility to, 2. Last evaluated: 2017-07-05. Review status: no assertion criteria provided. Collection method: clinical testing. Allele origin: unknown. Not counted in ClinVar's aggregate classification.

Sharing Clinical Reports Project (SCRP)
Classification: Uncertain significance for Breast-ovarian cancer, familial 2. Last evaluated: 2008-05-22. Review status: no assertion criteria provided. Collection method: clinical testing. Allele origin: germline. Not counted in ClinVar's aggregate classification.

Breast Cancer Information Core (BIC) (BRCA2)
Classification: Uncertain significance for Breast-ovarian cancer, familial 2. Last evaluated: 2004-02-20. Review status: no assertion criteria provided. Collection method: clinical testing. Allele origin: germline. Affected: yes. Observed: 2 variant alleles. Not counted in ClinVar's aggregate classification.

Literature cited by the submitters: PubMed 12474142 (cited by 3 submitters); PubMed 18284688 (cited by 4 submitters); PubMed 25777348 (cited by 3 submitters); PubMed 33471991 (cited by Women's Health and Genetics/Laboratory Corporation of America, LabCorp and Quest Diagnostics Nichols Institute San Juan Capistrano); PubMed 35264596 (cited by Women's Health and Genetics/Laboratory Corporation of America, LabCorp and Quest Diagnostics Nichols Institute San Juan Capistrano); PubMed 38641594 (cited by Women's Health and Genetics/Laboratory Corporation of America, LabCorp and Quest Diagnostics Nichols Institute San Juan Capistrano); PubMed 36329109 (cited by Quest Diagnostics Nichols Institute San Juan Capistrano and Genetics Program, Instituto Nacional de Cancer); PubMed 31911673 (cited by Quest Diagnostics Nichols Institute San Juan Capistrano).

NM_000059.4(BRCA2):c.5612G>A (p.Ser1871Asn)

Gene: BRCA2 (BRCA2 DNA repair associated; plus strand). Cytogenetic location: 13q13.1.
Variant type: single nucleotide variant.
Coding change: c.5612G>A on transcript NM_000059.4 (MANE Select); coding-DNA position 5612, G replaced by A.
Protein change: p.Ser1871Asn; replaces serine 1871 with asparagine.
Molecular consequence: missense variant.
Genome position (GRCh38, 1-based): chr13:32,339,967, G>A. VCF-style: chr13-32339967-G-A. GRCh37 (hg19) VCF-style: chr13-32914104-G-A.
Other names: 5840G>A; short protein forms S1871N.
Identifiers: ClinVar variation 51891 (VCV000051891.75), dbSNP rs80358782, ClinGen allele CA022703.